The following is an entry in ClinVar:

NM_001876.4(CPT1A):c.1352+5C>A

Genes: CPT1A (carnitine palmitoyltransferase 1A; minus strand), LOC126861244 (BRD4-independent group 4 enhancer GRCh37_chr11:68549035-68550234; plus strand). Cytogenetic location: 11q13.3.
Variant type: single nucleotide variant.
Coding change: c.1352+5C>A on transcript NM_001876.4 (MANE Select); 5 bases into the intron after coding-DNA position 1352, C replaced by A.
Molecular consequence: intron variant.
Genome position (GRCh38, 1-based): chr11:68,781,766, G>T on the plus strand (C>A on the coding strand, the complement: CPT1A is on the minus strand). VCF-style: chr11-68781766-G-T. GRCh37 (hg19) VCF-style: chr11-68549234-G-T.
Other names: c.1352+5C>A (NM_001031847.3, NM_001876.3).
Identifiers: ClinVar variation 2445797 (VCV002445797.2), dbSNP rs780953492, ClinGen allele CA599989149.

ClinVar aggregate classification (germline): Conflicting classifications of pathogenicity. Review status: criteria provided, conflicting classifications (1 of 4 stars). 2 submissions from 2 submitters: Uncertain significance (1); Likely benign (1). Last evaluated 2025-02-25.

Conditions:
CPT1A-related disorder. Also called: CPT1A-related condition.

gnomAD v4.1: 1 of 1,614,056 alleles (0.000062%); highest among the groups gnomAD compares: Admixed American, 0.0017%; no homozygotes.

Submissions (2):

PreventionGenetics, part of Exact Sciences
Classification: Likely benign for CPT1A-related condition. Last evaluated: 2025-02-25. Review status: criteria provided, single submitter. Criteria: ACMG Guidelines, 2015. Collection method: clinical testing. Allele origin: germline.
Comment: This variant is classified as likely benign based on ACMG/AMP sequence variant interpretation guidelines (Richards et al. 2015 PMID: 25741868, with internal and published modifications).

Women's Health and Genetics/Laboratory Corporation of America, LabCorp
Classification: Uncertain significance. Last evaluated: 2023-02-11. Review status: criteria provided, single submitter. Criteria: LabCorp Variant Classification Summary - May 2015. Collection method: clinical testing. Allele origin: germline.